The following is an entry in ClinVar:

NM_002693.3(POLG):c.1024-15G>A

Gene: POLG (DNA polymerase gamma, catalytic subunit; minus strand). Cytogenetic location: 15q26.1.
Variant type: single nucleotide variant.
Coding change: c.1024-15G>A on transcript NM_002693.3 (MANE Select); 15 bases into the intron before coding-DNA position 1024, G replaced by A.
Molecular consequence: intron variant.
Genome position (GRCh38, 1-based): chr15:89,328,846, C>T on the plus strand (G>A on the coding strand, the complement: POLG is on the minus strand). VCF-style: chr15-89328846-C-T. GRCh37 (hg19) VCF-style: chr15-89872077-C-T.
Other names: c.1024-15G>A (NM_001126131.2).
Identifiers: ClinVar variation 388452 (VCV000388452.3), dbSNP rs1057523109, ClinGen allele CA16607179.
Genomic context (GRCh38, chr15:89,328,846, plus strand): 5'-CCAGACTGTTGACACTGCTGATGTCCAGCCAGTCCCAGGATGAGATCTGGGGAACCAGAG[C>T]AAGGGACATGGCAGATCAGCCTGGCCTCGGGCCAGACGGGCTGGTGAGAGGGGGTCCCAA-3'

ClinVar aggregate classification (germline): Likely benign. Review status: criteria provided, multiple submitters, no conflicts (2 of 4 stars). 2 submissions from 2 submitters: Likely benign (2). Last evaluated 2024-10-13.

Conditions:
Progressive sclerosing poliodystrophy (MTDPS4A). Also called: ALPERS PROGRESSIVE INFANTILE POLIODYSTROPHY; NEURONAL DEGENERATION OF CHILDHOOD WITH LIVER DISEASE, PROGRESSIVE; Alpers-Huttenlocher Syndrome (AHS); Alpers Syndrome; Mitochondrial DNA Depletion Syndrome 4A; ALPERS DIFFUSE DEGENERATION OF CEREBRAL GRAY MATTER WITH HEPATIC CIRRHOSIS. Identifiers: Orphanet 726, MedGen C0205710, MONDO:0008758, OMIM 203700.

Allele frequency attached by ClinVar (database versions not stated): gnomAD exomes below 0.00001.

Submissions (2):

Labcorp Genetics (formerly Invitae), Labcorp
Classification: Likely benign for Progressive sclerosing poliodystrophy. Last evaluated: 2024-10-13. Review status: criteria provided, single submitter. Criteria: Invitae Variant Classification Sherloc (09022015). Collection method: clinical testing. Allele origin: germline.

GeneDx
Classification: Likely benign. Last evaluated: 2016-08-11. Review status: criteria provided, single submitter. Criteria: GeneDx Variant Classification (06012015). Collection method: clinical testing. Allele origin: germline. Affected: yes.
Comment: This variant is considered likely benign or benign based on one or more of the following criteria: it is a conservative change, it occurs at a poorly conserved position in the protein, it is predicted to be benign by multiple in silico algorithms, and/or has population frequency not consistent with disease.